The following is an entry in ClinVar:

NM_000053.4(ATP7B):c.4135C>T (p.Pro1379Ser)

Gene: ATP7B (ATPase copper transporting beta; minus strand). Cytogenetic location: 13q14.3.
Variant type: single nucleotide variant.
Coding change: c.4135C>T on transcript NM_000053.4 (MANE Select); coding-DNA position 4135, C replaced by T.
Protein change: p.Pro1379Ser; replaces proline 1379 with serine.
Molecular consequence: missense variant.
Genome position (GRCh38, 1-based): chr13:51,935,019, G>A on the plus strand (C>T on the coding strand, the complement: ATP7B is on the minus strand). VCF-style: chr13-51935019-G-A. GRCh37 (hg19) VCF-style: chr13-52509155-G-A.
Other names: c.3514C>T, p.Pro1172Ser (NM_001005918.3); c.3802C>T, p.Pro1268Ser (NM_001243182.2); c.3901C>T, p.Pro1301Ser (NM_001330578.2); c.3883C>T, p.Pro1295Ser (NM_001330579.2); short protein forms P1379S, P1172S, P1301S, P1268S, P1295S.
Identifiers: ClinVar variation 157957 (VCV000157957.101), dbSNP rs181250704, ClinGen allele CA271180.

ClinVar aggregate classification (germline): Conflicting classifications of pathogenicity. Review status: criteria provided, conflicting classifications (1 of 4 stars). 21 submissions from 21 submitters: Uncertain significance (17); Likely benign (3). 1 of the submissions does not count toward it. Last evaluated 2026-09-01.

Conditions:
ATP7B-related disorder. Also called: ATP7B-related condition.
Inborn genetic diseases. Identifiers: MedGen C0950123, MeSH D030342.
Wilson disease (WND). Also called: Wilson's disease. Identifiers: Orphanet 905, MedGen C0019202, MONDO:0010200, OMIM 277900. Disease mechanism: loss of function.

Allele frequency attached by ClinVar (database versions not stated): ExAC 0.00109; gnomAD exomes 0.00113 and 0.00198; 1000 Genomes Project 0.00120; 1000 Genomes Project 30x 0.00125; gnomAD 0.00151; ESP Exome Variant Server 0.00161; TOPMed 0.00164.
gnomAD v4.1: 3,098 of 1,613,790 alleles (0.19%); highest among the groups gnomAD compares: Non-Finnish European, 0.24%; 5 homozygotes.

Submissions 1 to 9 of 21:

CeGaT Center for Human Genetics Tuebingen
Classification: Likely benign. Last evaluated: 2026-09-01. Review status: criteria provided, single submitter. Criteria: CeGaT Center For Human Genetics Tuebingen Variant Classification Criteria Version 2. Collection method: clinical testing. Allele origin: germline. Affected: yes. Observed: 18 variant alleles.
Comment: ATP7B: BS2

GeneDx
Classification: Uncertain significance. Last evaluated: 2026-07-23. Review status: criteria provided, single submitter. Criteria: GeneDx Variant Classification Process June 2021. Collection method: clinical testing. Allele origin: germline.
Comment: Functional analysis found that it is associated with normal transport activity and trafficking and is able to restore growth in yeast deficient for ccc2 (the ATP7B ortholog in yeast) (PMID: 21454443; 14962673); In silico analysis supports that this missense variant has a deleterious effect on protein structure/function; This variant is associated with the following publications: (PMID: 14962673, 28392828, 25741868, 16472602, 33848968, 17680703, 32248359, 34426522, 24253677, 30254379, 30097039, 23430806, 35626323, 34620762, 32685348, 37660282, 33972609, 37937776, 30476936, 16088907, 21454443, 40661833)

Labcorp Genetics (formerly Invitae), Labcorp
Classification: Likely benign for Wilson disease. Last evaluated: 2026-02-02. Review status: criteria provided, single submitter. Criteria: Invitae Variant Classification Sherloc (09022015). Collection method: clinical testing. Allele origin: germline.

Women's Health and Genetics/Laboratory Corporation of America, LabCorp
Classification: Uncertain significance. Last evaluated: 2025-12-12. Review status: criteria provided, single submitter. Criteria: LabCorp Variant Classification Summary - May 2015. Collection method: clinical testing. Allele origin: germline.
Comment: Variant summary: ATP7B c.4135C>T (p.Pro1379Ser) results in a non-conservative amino acid change located in the after the TM8 domain (Tang_2019) of the encoded protein sequence. Algorithms developed to predict the effect of missense changes on protein structure and function all suggest that this variant is likely to be disruptive. The variant allele was found at a frequency of 0.0019 in 1613798 control chromosomes, predominantly at a frequency of 0.0024 within the Non-Finnish European subpopulation in the gnomAD database, including 4 homozygotes. This frequency is not significantly higher than estimated for a pathogenic variant in ATP7B causing Wilson Disease (0.0019 vs 0.0054), allowing no conclusion about variant significance. c.4135C>T has been reported in the literature in at-least one individual affected with Wilson Disease (Cox_2005) and as a compound heterozygote in an unaffected newborn with a genotype (H1069Q/P1379S) from a family in which the affected proband was homozygous for the other well reported variant (H1069Q/H1069Q) (Bennett_2013). It was also reported in a study among individuals who had no family history or indications of of WD (Collet_2018). Additionally, it was found in four compound heterozygous children with one known pathogenic variant and remain asymptomatic without abnormal laboratory consequences (Yi_2020). These data do not allow any conclusion about variant significance. At least one publication reports experimental evidence evaluating an impact on protein function. These results showed no damaging effect of this variant on copper transport, protein stability or copper-responsive trafficking (Braiterman_2011). The following publications have been ascertained in the context of this evaluation (PMID: 23430806, 21454443, 16472602, 30097039, 16088907, 14962673, 17680703, 30842500, 24253677, 31751128, 32248359, 32685348). ClinVar contains an entry for this variant (Variation ID: 157957). Based on the evidence outlined above, the variant was classified as uncertain significance.

Color Diagnostics, LLC DBA Color Health
Classification: Uncertain significance for Wilson disease. Last evaluated: 2025-06-04. Review status: criteria provided, single submitter. Criteria: ACMG Guidelines, 2015. Collection method: clinical testing. Allele origin: germline.
Comment: This missense variant replaces proline with serine at codon 1379 of the ATP7B protein. Computational prediction suggests that this variant may have deleterious impact on protein structure and function. However, functional studies have shown that this variant does not impact protein expression, copper transport and trafficking, and oxidase activity (PMID: 14962673, 21454443). This variant has been observed in the compound heterozygous state in individuals affected with autosomal recessive Wilson disease (PMID: 16088907, 23430806, 32685348). This variant occurs at an elevated allele frequency in the general population and has been identified in 311/278336 chromosomes in the general population by the Genome Aggregation Database (gnomAD). The available evidence is insufficient to determine the role of this variant in disease conclusively. Therefore, this variant is classified as a Variant of Uncertain Significance.

PreventionGenetics, part of Exact Sciences
Classification: Likely benign for ATP7B-related condition. Last evaluated: 2024-12-17. Review status: criteria provided, single submitter. Criteria: ACMG Guidelines, 2015. Collection method: clinical testing. Allele origin: germline.
Comment: This variant is classified as likely benign based on ACMG/AMP sequence variant interpretation guidelines (Richards et al. 2015 PMID: 25741868, with internal and published modifications).

Blueprint Genetics
Classification: Uncertain significance. Last evaluated: 2024-10-10. Review status: criteria provided, single submitter. Criteria: ACMG Guidelines, 2015. Collection method: clinical testing. Allele origin: germline.

All of Us Research Program, National Institutes of Health
Classification: Uncertain significance for Wilson disease. Last evaluated: 2024-09-23. Review status: criteria provided, single submitter. Criteria: ACMG Guidelines, 2015. Collection method: clinical testing. Allele origin: germline. Inheritance: Autosomal recessive inheritance. Observed: 577 variant alleles, 574 heterozygotes, 3 homozygotes.
Comment: This missense variant replaces proline with serine at codon 1379 of the ATP7B protein. Computational prediction suggests that this variant may have deleterious impact on protein structure and function (internally defined REVEL score threshold >= 0.7, PMID: 27666373). Functional studies have shown that this variant had normal protein expression, copper transport and trafficking, and oxidase activity; similar to wild-type (PMID: 14962673, 21454443). This variant has been observed in many individuals affected with autosomal recessive Wilson disease (PMID: 16088907, 23430806, 32685348) all of which are compound heterozygous. This variant has been identified in 311/278336 chromosomes in the general population by the Genome Aggregation Database (gnomAD). The available evidence is insufficient to determine the role of this variant in disease conclusively. Therefore, this variant is classified as a Variant of Uncertain Significance.

This study involves interpretation of variants in research participants for the purpose of population health screening. Participant phenotype was not available at the time of variant classification. Additional details can be found in publication PMID: 35346344, PMCID: PMC8962531

ARUP Laboratories, Molecular Genetics and Genomics, ARUP Laboratories
Classification: Uncertain significance for Wilson disease. Last evaluated: 2024-08-23. Review status: criteria provided, single submitter. Criteria: ARUP Molecular Germline Variant Investigation Process 2024. Collection method: clinical testing. Allele origin: germline.
Comment: The ATP7B c.4135C>T; p.Pro1379Ser variant (rs181250704; ClinVar ID: 157957) is reported in the literature in an individual with Wilson disease (Cox 2005). This variant was detected in trans with a pathogenic variant in four children from two families (Bennett 2013; Yi 2020); since there is significant variation in age of presentation in patients with Wilson disease (Weiss 2016), it is difficult to assess the significance of the reports of unaffected children currently. Functional analyses show the variant protein has normal transport activity (Braiterman 2011). This variant is found in the general population with an overall allele frequency of 0.11% (311/278,336 alleles, including 1 homozygote) in the Genome Aggregation Database (v2.1.1). Computational analyses predict that this variant is deleterious (REVEL: 0.879). Although some evidence suggests ATP7B p.Pro1379Ser is not a deleterious variant, due to limited clinical information on children harboring this variant in trans to a pathogenic ATP7B variant, its clinical significance cannot be determined with certainty at this time. References: Bennett JT et al. An exceptional family with three consecutive generations affected by Wilson disease. JIMD Rep. 2013;10:1-4. PMID: 23430806. Braiterman L et al. Critical roles for the COOH terminus of the Cu-ATPase ATP7B in protein stability, trans-Golgi network retention, copper sensing, and retrograde trafficking. Am J Physiol Gastrointest Liver Physiol. 2011 Jul;301(1):G69-81. PMID: 21454443. Cox DW et al. Twenty-four novel mutations in Wilson disease patients of predominantly European ancestry. Hum Mutat. 2005 Sep;26(3):280. PMID: 16088907. Weiss KH. Wilson Disease. 1999 Oct 22 [Updated 2016 Jul 29]. In: Adam MP, Everman DB, Mirzaa GM, et al., editors. GeneReviews [Internet]. Seattle (WA): University of Washington, Seattle; 1993-2022. Available from an online resource Yi F et al. p.P1379S, a benign variant with reduced ATP7B protein level in Wilson Disease. JIMD Rep. 2020 May 19;54(1):32-36. PMID: 32685348.